The following is an entry in ClinVar:

ClinVar aggregate classification (germline): Pathogenic/Likely pathogenic. Review status: criteria provided, multiple submitters, no conflicts (2 of 4 stars). 4 submissions from 3 submitters: Pathogenic (1); Likely pathogenic (3). Last evaluated 2025-07-07.

Conditions:
Dilated cardiomyopathy 1G (CMD1G). Identifiers: Orphanet 154, MedGen C1858763, MONDO:0011400, OMIM 604145.
Autosomal recessive limb-girdle muscular dystrophy type 2J (LGMDR10). Also called: Limb-girdle muscular dystrophy, type 2J; MUSCULAR DYSTROPHY, LIMB-GIRDLE, AUTOSOMAL RECESSIVE 10. Identifiers: Orphanet 140922, MedGen C1837342, MONDO:0012127, OMIM 608807.
Cardiovascular phenotype. Identifiers: MedGen CN230736.

Submissions (4):

Ambry Genetics
Classification: Likely pathogenic for Cardiovascular phenotype. Last evaluated: 2025-07-07. Review status: criteria provided, single submitter. Criteria: Ambry Variant Classification Scheme 2023. Collection method: clinical testing. Allele origin: germline.
Comment: The c.41313dupT variant, located in coding exon 149 of the TTN gene, results from a duplication of T at nucleotide position 41313, causing a translational frameshift with a predicted alternate stop codon (p.V13772Cfs*7). This exon is located in the A-band region of the N2-B isoform of the titin protein and is constitutively expressed in TTN transcripts (percent spliced in or PSI 100%). This variant is considered to be rare based on population cohorts in the Genome Aggregation Database (gnomAD). This variant is expected to result in loss of function by premature protein truncation or nonsense-mediated mRNA decay. While truncating variants in TTN are present in 1-3% of the general population, truncating variants in the A-band are the most common cause of dilated cardiomyopathy (Herman DS et al. N. Engl. J. Med., 2012 Feb;366:619-28; Roberts AM et al. Sci Transl Med, 2015 Jan;7:270ra6). TTN truncating variants encoded in constitutive exons (PSI >90%) have been found to be significantly associated with DCM regardless of their position in titin (Schafer S et al. Nat. Genet., 2017 01;49:46-53; Akhtar MM et al. Circ Heart Fail, 2020 Oct;13:e006832; Massier M et al. Clin Genet, 2025 Jan). Based on the majority of available evidence to date, this variant is likely to be pathogenic.

Labcorp Genetics (formerly Invitae), Labcorp
Classification: Likely pathogenic for Dilated cardiomyopathy 1G. Last evaluated: 2017-03-21. Review status: criteria provided, single submitter. Criteria: Invitae Variant Classification Sherloc (09022015). Collection method: clinical testing. Allele origin: germline.
Comment: This sequence change inserts 1 nucleotide in exon 322 of the TTN mRNA (c.68508dupT), causing a frameshift at codon 22837. This creates a premature translational stop signal (p.Val22837Cysfs*7) and is expected to result in a disrupted protein product. This variant is found in the A-band of this gene. While this particular variant has not been reported in the literature, truncating variants in the A-band of TTN are significantly overrepresented in patients with dilated cardiomyopathy and are considered to be likely pathogenic for the disease (PMID: 25589632). For these reasons, this variant has been classified as Likely Pathogenic.

Labcorp Genetics (formerly Invitae), Labcorp
Classification: Likely pathogenic for Dilated cardiomyopathy 1G; Autosomal recessive limb-girdle muscular dystrophy type 2J. Last evaluated: 2017-03-12. Review status: criteria provided, single submitter. Criteria: Invitae Variant Classification Sherloc (09022015). Collection method: clinical testing. Allele origin: germline.
Comment: For these reasons, this variant has been classified as Likely Pathogenic. This variant is found in the A-band of this gene. While this particular variant has not been reported in the literature, truncating variants in the A-band of TTN are significantly overrepresented in patients with dilated cardiomyopathy and are considered to be likely pathogenic for the disease (PMID: 25589632). This sequence change inserts 1 nucleotide in exon 322 of the TTN mRNA (c.68508dupT), causing a frameshift at codon 22837. This creates a premature translational stop signal (p.Val22837Cysfs*7) and is expected to result in a disrupted protein product.

GeneDx
Classification: Pathogenic. Last evaluated: 2015-07-13. Review status: criteria provided, single submitter. Criteria: GeneDx Variant Classification (06012015). Collection method: clinical testing. Allele origin: germline. Affected: yes.
Comment: Although the c.63585dupT duplication in the TTN gene has not been reported to our knowledge, thisvariant causes a shift in reading frame starting at codon Valine 21196, changing it to a Cysteine, andcreating a premature stop codon at position 7 of the new reading frame, denoted p.Val21196CysfsX7. Thisduplication is expected to result in either an abnormal, truncated protein product or loss of protein from thisallele through nonsense-mediated mRNA decay. Other frameshift variants in the TTN gene have beenreported in HGMD in association with cardiomyopathy (Stenson P et al., 2014). Moreover, thec.63585dupT is located in the A-band region of titin, where the majority of truncating variants associatedwith DCM have been reported (Herman et al., 2012). Furthermore, the c.63585dupT variant was notobserved in approximately 6,000 individuals of European and African American ancestry in the NHLBIExome Sequencing Project, indicating it is not a common benign variant in these populations.In summary, c.63585dupT in the TTN gene is interpreted as a pathogenic variant.

Literature cited by the submitters: PubMed 25589632 (cited by Labcorp Genetics (formerly Invitae), Labcorp).

NM_001267550.2(TTN):c.68508dup (p.Val22837fs)

Genes: TTN-AS1 (TTN antisense RNA 1; plus strand), TTN (titin; minus strand). Cytogenetic location: 2q31.2.
Variant type: Duplication.
Coding change: c.68508dup on transcript NM_001267550.2 (MANE Select); coding-DNA position 68508, one base duplicated (T; older notation c.68508dupT).
Protein change: p.Val22837fs; shifts the reading frame from valine 22837.
Molecular consequence: frameshift variant.
Genome position (GRCh38, 1-based): chr2:178,578,007, A duplicated on the plus strand (T on the coding strand, the reverse complement: TTN is on the minus strand); the first of 2 consecutive A bases (chr2:178,578,007-178,578,008); duplicating either gives the same sequence. VCF-style (leftmost placement, unchanged base first): chr2-178578006-C-CA. GRCh37 (hg19) VCF-style: chr2-179442733-C-CA.
Other names: c.63585dup, p.Val21196fs (NM_001256850.1); c.41313dup, p.Val13772fs (NM_003319.4); c.60804dup, p.Val20269fs (NM_133378.4); c.41688dup, p.Val13897fs (NM_133432.3); c.41889dup, p.Val13964fs (NM_133437.4); c.63585dupT (NM_001256850.1); c.41313dupT (NM_003319.4); short protein forms V13897fs, V13964fs, V22837fs, V13772fs, V20269fs, V21196fs.
Identifiers: ClinVar variation 419399 (VCV000419399.12), dbSNP rs1064793845, ClinGen allele CA16617359.